The following is an entry in ClinVar:

ClinVar aggregate classification (germline): Conflicting classifications of pathogenicity. Review status: criteria provided, conflicting classifications (1 of 4 stars). 3 submissions from 3 submitters: Pathogenic (1); Uncertain significance (2). Last evaluated 2026-08-17.

Conditions:
Leukoencephalopathy with brain stem and spinal cord involvement-high lactate syndrome (LBSL). Also called: Leukoencephalopathy with Brainstem and Spinal Cord Involvement and Lactate Elevation; MITOCHONDRIAL ASPARTYL-tRNA SYNTHETASE DEFICIENCY; LEUKOENCEPHALOPATHY WITH BRAINSTEM AND SPINAL CORD INVOLVEMENT AND LACTATE ELEVATION, MILD. Identifiers: Orphanet 137898, MedGen C1970180, MONDO:0012622, OMIM 611105.

Allele frequency attached by ClinVar (database versions not stated): TOPMed below 0.00001; 1000 Genomes Project 0.00020; 1000 Genomes Project 30x 0.00031.
gnomAD v4.1: 10 of 1,614,114 alleles (0.00062%); highest among the groups gnomAD compares: Admixed American, 0.0067%; no homozygotes.

Submissions (3):

GeneDx
Classification: Pathogenic. Last evaluated: 2026-08-17. Review status: criteria provided, single submitter. Criteria: GeneDx Variant Classification Process June 2021. Collection method: clinical testing. Allele origin: germline.
Comment: Published functional studies demonstrate this variant results in decreased expression of the DARS2 protein (Stellingwerff et al., 2021); Not observed at significant frequency in large population cohorts (gnomAD); In silico analysis supports that this missense variant has a deleterious effect on protein structure/function; This variant is associated with the following publications: (PMID: 33977142)

Broad Center for Mendelian Genomics, Broad Institute of MIT and Harvard
Classification: Uncertain significance for Leukoencephalopathy with brain stem and spinal cord involvement-high lactate syndrome. Last evaluated: 2025-01-21. Review status: criteria provided, single submitter. Criteria: ACMG Guidelines, 2015. Collection method: curation. Allele origin: germline. Inheritance: Autosomal recessive inheritance.
Comment: The p.Phe484Leu variant in DARS2 has been reported in 1 individual with leukoencephalopathy with brain stem and spinal cord involvement-high lactate syndrome (PMID: 33977142), and has been identified in 0.007% (4/60008) of Latino/Admixed American chromosomes by the Genome Aggregation Database (gnomAD; dbSNP rs181672516). Although this variant has been seen in the general population in a heterozygous state, its frequency is low enough to be consistent with a recessive carrier frequency. This variant has also been reported in ClinVar (Variation ID: 1678848) and has been interpreted as pathogenic by GeneDx. In vitro functional studies provide some evidence that the p.Phe484Leu variant may slightly impact protein function (PMID: 33977142). However, these types of assays may not accurately represent biological function. Computational prediction tools and conservation analyses suggest that this variant may impact the protein, though this information is not predictive enough to determine pathogenicity. In summary, while there is some suspicion for a pathogenic role, the clinical significance of this variant is uncertain. ACMG/AMP Criteria applied: PP3_moderate, PS3_supporting, PM2_supporting (Richards 2015).

Blueprint Genetics
Classification: Uncertain significance. Last evaluated: 2024-10-07. Review status: criteria provided, single submitter. Criteria: ACMG Guidelines, 2015. Collection method: clinical testing. Allele origin: germline.

NM_018122.5(DARS2):c.1452C>G (p.Phe484Leu)

Gene: DARS2 (aspartyl-tRNA synthetase 2, mitochondrial; plus strand). Cytogenetic location: 1q25.1.
Variant type: single nucleotide variant.
Coding change: c.1452C>G on transcript NM_018122.5 (MANE Select); coding-DNA position 1452, C replaced by G.
Protein change: p.Phe484Leu; replaces phenylalanine 484 with leucine.
Molecular consequence: missense variant.
Genome position (GRCh38, 1-based): chr1:173,853,456, C>G. VCF-style: chr1-173853456-C-G. GRCh37 (hg19) VCF-style: chr1-173822594-C-G.
Other names: NM_018122.5(DARS2):c.1452C>G; p.Phe484Leu; c.1299C>G, p.Phe433Leu (NM_001365212.1); short protein forms F433L, F484L.
Identifiers: ClinVar variation 1678848 (VCV001678848.5), dbSNP rs181672516, ClinGen allele CA1250425.